The following is an entry in ClinVar:

NM_001369.3(DNAH5):c.13607_13608insAG (p.Tyr4536Ter)

Gene: DNAH5 (dynein axonemal heavy chain 5; minus strand). Cytogenetic location: 5p15.2.
Variant type: Insertion.
Coding change: c.13607_13608insAG on transcript NM_001369.3 (MANE Select); coding-DNA positions 13607 to 13608, AG inserted.
Protein change: p.Tyr4536Ter; replaces tyrosine 4536 with a stop codon.
Molecular consequence: nonsense.
Genome position: GRCh38 VCF-style: chr5-13700755-A-ACT. GRCh37 (hg19) VCF-style: chr5-13700864-A-ACT.
Other names: short protein forms Y4536*.
Identifiers: ClinVar variation 4814865 (VCV004814865.1).

ClinVar aggregate classification (germline): Likely pathogenic (1 of 4 stars; one submission).

Conditions:
Primary ciliary dyskinesia. Also called: Ciliary dyskinesia. Identifiers: Orphanet 244, MedGen C0008780, MONDO:0016575, HP:0012265.

Submission:

Natera, Inc.
Classification: Likely pathogenic for Primary ciliary dyskinesia. Last evaluated: 2024-07-29. Review status: criteria provided, single submitter. Criteria: Natera Variant Classification Schema (03/2026). Collection method: clinical testing. Allele origin: germline.
Comment: The c.13607_13608insAG variant in DNAH5 is a frameshift variant predicted to shift the reading frame and introduce a stop codon. This variant is expected to result in nonsense mediated decay, truncation, or a dysfunctional protein product. This variant is rare in the general population with a frequency below the threshold expected for the associated phenotype(s). Given the available evidence, this variant is classified as Likely Pathogenic.